The following is an entry in ClinVar:

ClinVar aggregate classification (germline): Uncertain significance. Review status: criteria provided, multiple submitters, no conflicts (2 of 4 stars). 2 submissions from 2 submitters: Uncertain significance (2). Last evaluated 2025-10-08.

Conditions:
Gorlin syndrome. Also called: Nevoid Basal Cell Carcinoma Syndrome; Basal cell nevus syndrome. Identifiers: Orphanet 377, MedGen C0004779, MONDO:0007187.

Allele frequency attached by ClinVar (database versions not stated): ExAC 0.00002; gnomAD 0.00002; gnomAD exomes 0.00002 and 0.00004; TOPMed 0.00003.

Submissions (2):

Labcorp Genetics (formerly Invitae), Labcorp
Classification: Uncertain significance for Gorlin syndrome. Last evaluated: 2025-10-08. Review status: criteria provided, single submitter. Criteria: Invitae Variant Classification Sherloc (09022015). Collection method: clinical testing. Allele origin: germline.
Comment: This sequence change replaces histidine, which is basic and polar, with tyrosine, which is neutral and polar, at codon 595 of the PTCH2 protein (p.His595Tyr). This variant is present in population databases (rs199563590, gnomAD 0.04%). This variant has not been reported in the literature in individuals affected with PTCH2-related conditions. ClinVar contains an entry for this variant (Variation ID: 568094). Invitae Evidence Modeling of protein sequence and biophysical properties (such as structural, functional, and spatial information, amino acid conservation, physicochemical variation, residue mobility, and thermodynamic stability) indicates that this missense variant is not expected to disrupt PTCH2 protein function with a negative predictive value of 80%. In summary, the available evidence is currently insufficient to determine the role of this variant in disease. Therefore, it has been classified as a Variant of Uncertain Significance.

Women's Health and Genetics/Laboratory Corporation of America, LabCorp
Classification: Uncertain significance. Last evaluated: 2023-10-19. Review status: criteria provided, single submitter. Criteria: LabCorp Variant Classification Summary - May 2015. Collection method: clinical testing. Allele origin: germline.
Comment: Variant summary: PTCH2 c.1783C>T (p.His595Tyr) results in a conservative amino acid change in the encoded protein sequence. Three of five in-silico tools predict a benign effect of the variant on protein function. The variant allele was found at a frequency of 3.6e-05 in 250154 control chromosomes (gnomAD). The available data on variant occurrences in the general population are insufficient to allow any conclusion about variant significance. To our knowledge, no occurrence of c.1783C>T in individuals affected with Basal Cell Carcinoma and no experimental evidence demonstrating its impact on protein function have been reported. One submitter has cited a clinical-significance assessment for this variant to ClinVar after 2014 and has classified the variant as uncertain significance. Based on the evidence outlined above, the variant was classified as uncertain significance.

NM_003738.5(PTCH2):c.1783C>T (p.His595Tyr)

Gene: PTCH2 (patched 2; minus strand). Cytogenetic location: 1p34.1.
Variant type: single nucleotide variant.
Coding change: c.1783C>T on transcript NM_003738.5 (MANE Select); coding-DNA position 1783, C replaced by T.
Protein change: p.His595Tyr; replaces histidine 595 with tyrosine.
Molecular consequence: missense variant.
Genome position (GRCh38, 1-based): chr1:44,828,118, G>A on the plus strand (C>T on the coding strand, the complement: PTCH2 is on the minus strand). VCF-style: chr1-44828118-G-A. GRCh37 (hg19) VCF-style: chr1-45293790-G-A.
Other names: c.1783C>T, p.His595Tyr (NM_001166292.2); short protein forms H595Y.
Identifiers: ClinVar variation 568094 (VCV000568094.12), dbSNP rs199563590, ClinGen allele CA823165.